The following is an entry in ClinVar:

NM_005475.3(SH2B3):c.476C>T (p.Thr159Ile)

Gene: SH2B3 (SH2B adaptor protein 3; plus strand). Cytogenetic location: 12q24.12.
Variant type: single nucleotide variant.
Coding change: c.476C>T on transcript NM_005475.3 (MANE Select); coding-DNA position 476, C replaced by T.
Protein change: p.Thr159Ile; replaces threonine 159 with isoleucine.
Molecular consequence: missense variant.
Genome position (GRCh38, 1-based): chr12:111,418,621, C>T. VCF-style: chr12-111418621-C-T. GRCh37 (hg19) VCF-style: chr12-111856425-C-T.
Other names: short protein forms T159I.
Identifiers: ClinVar variation 3953461 (VCV003953461.1).

ClinVar aggregate classification (germline): Uncertain significance (1 of 4 stars; one submission).

Conditions:
Inborn genetic diseases. Identifiers: MedGen C0950123, MeSH D030342.

gnomAD v4.1: 3 of 1,476,936 alleles (0.0002%); highest among the groups gnomAD compares: African/African-American, 0.0015%; no homozygotes.

Submission:

Ambry Genetics
Classification: Uncertain significance for Inborn genetic diseases. Last evaluated: 2025-04-18. Review status: criteria provided, single submitter. Criteria: Ambry Variant Classification Scheme 2023. Collection method: clinical testing. Allele origin: germline.
Comment: The p.T159I variant (also known as c.476C>T), located in coding exon 1 of the SH2B3 gene, results from a C to T substitution at nucleotide position 476. The threonine at codon 159 is replaced by isoleucine, an amino acid with similar properties. This amino acid position is conserved. In addition, this alteration is predicted to be tolerated by in silico analysis. Based on the available evidence, the clinical significance of this variant remains unclear.